The following is an entry in ClinVar:

ClinVar aggregate classification (germline): Uncertain significance. Review status: criteria provided, multiple submitters, no conflicts (2 of 4 stars). 2 submissions from 2 submitters: Uncertain significance (2). Last evaluated 2025-12-30.

Allele frequency attached by ClinVar (database versions not stated): gnomAD exomes 0.00003 and 0.00004; ExAC 0.00004; gnomAD 0.00005; TOPMed 0.00005; ESP Exome Variant Server 0.00008.
gnomAD v4.1: 51 of 1,610,524 alleles (0.0032%); highest among the groups gnomAD compares: African/African-American, 0.0013%; 1 homozygote.

Submissions (2):

Labcorp Genetics (formerly Invitae), Labcorp
Classification: Uncertain significance. Last evaluated: 2025-12-30. Review status: criteria provided, single submitter. Criteria: Invitae Variant Classification Sherloc (09022015). Collection method: clinical testing. Allele origin: germline.
Comment: This sequence change replaces leucine, which is neutral and non-polar, with proline, which is neutral and non-polar, at codon 275 of the IRF9 protein (p.Leu275Pro). This variant is present in population databases (rs377714819, gnomAD 0.05%). This variant has not been reported in the literature in individuals affected with IRF9-related conditions. ClinVar contains an entry for this variant (Variation ID: 1437932). An algorithm developed to predict the effect of missense changes on protein structure and function (PolyPhen-2) suggests that this variant is likely to be disruptive. In summary, the available evidence is currently insufficient to determine the role of this variant in disease. Therefore, it has been classified as a Variant of Uncertain Significance.

Ambry Genetics
Classification: Uncertain significance. Last evaluated: 2023-05-05. Review status: criteria provided, single submitter. Criteria: Ambry Variant Classification Scheme 2023. Collection method: clinical testing. Allele origin: germline.

NM_006084.5(IRF9):c.824T>C (p.Leu275Pro)

Gene: IRF9 (interferon regulatory factor 9; plus strand). Cytogenetic location: 14q12.
Variant type: single nucleotide variant.
Coding change: c.824T>C on transcript NM_006084.5 (MANE Select); coding-DNA position 824, T replaced by C.
Protein change: p.Leu275Pro; replaces leucine 275 with proline.
Molecular consequence: missense variant. On other transcripts: intron variant (1).
Genome position (GRCh38, 1-based): chr14:24,164,788, T>C. VCF-style: chr14-24164788-T-C. GRCh37 (hg19) VCF-style: chr14-24633997-T-C.
Other names: c.851T>C, p.Leu284Pro (NM_001385400.1, NM_001385401.1); c.650-89T>C (NM_001385402.1); c.824T>C (NM_006084.4); short protein forms L275P, L284P.
Identifiers: ClinVar variation 1437932 (VCV001437932.7), dbSNP rs377714819, ClinGen allele CA7126564.